The following is an entry in ClinVar:

NM_007194.4(CHEK2):c.674C>G (p.Thr225Ser)

Gene: CHEK2 (checkpoint kinase 2; minus strand). Cytogenetic location: 22q12.1.
Variant type: single nucleotide variant.
Coding change: c.674C>G on transcript NM_007194.4 (MANE Select); coding-DNA position 674, C replaced by G.
Protein change: p.Thr225Ser; replaces threonine 225 with serine.
Molecular consequence: missense variant. On other transcripts: intron variant (1).
Genome position (GRCh38, 1-based): chr22:28,719,404, G>C on the plus strand (C>G on the coding strand, the complement: CHEK2 is on the minus strand). VCF-style: chr22-28719404-G-C. GRCh37 (hg19) VCF-style: chr22-29115392-G-C.
Other names: c.803C>G, p.Thr268Ser (NM_001005735.3, NM_001438294.1); c.11C>G, p.Thr4Ser (NM_001257387.3, NM_001437942.1); c.767C>G, p.Thr256Ser (NM_001438295.1, NM_001438293.1); c.674C>G, p.Thr225Ser (NM_145862.3); c.482+5482C>G (NM_001349956.3); short protein forms T268S, T4S, T225S, T256S.
Identifiers: ClinVar variation 1466085 (VCV001466085.9), dbSNP rs2146004812, ClinGen allele CA411104862.

ClinVar aggregate classification (germline): Uncertain significance (1 of 4 stars; one submission).

Conditions:
Familial cancer of breast. Also called: hereditary breast carcinoma; BREAST CANCER, FAMILIAL; Hereditary breast cancer. Identifiers: Orphanet 227535, MedGen C0346153, MONDO:0016419, OMIM 114480. Disease mechanism: loss of function.

Submission:

Labcorp Genetics (formerly Invitae), Labcorp
Classification: Uncertain significance for Familial cancer of breast. Last evaluated: 2020-12-08. Review status: criteria provided, single submitter. Criteria: Invitae Variant Classification Sherloc (09022015). Collection method: clinical testing. Allele origin: germline.
Comment: In summary, the available evidence is currently insufficient to determine the role of this variant in disease. Therefore, it has been classified as a Variant of Uncertain Significance. Algorithms developed to predict the effect of missense changes on protein structure and function (SIFT, PolyPhen-2, Align-GVGD) all suggest that this variant is likely to be tolerated, but these predictions have not been confirmed by published functional studies and their clinical significance is uncertain. This variant has not been reported in the literature in individuals with CHEK2-related conditions. This variant is not present in population databases (ExAC no frequency). This sequence change replaces threonine with serine at codon 225 of the CHEK2 protein (p.Thr225Ser). The threonine residue is moderately conserved and there is a small physicochemical difference between threonine and serine.